The following is an entry in ClinVar:

ClinVar aggregate classification (germline): Conflicting classifications of pathogenicity. Review status: criteria provided, conflicting classifications (1 of 4 stars). 3 submissions from 3 submitters: Uncertain significance (1); Likely benign (1). 1 of the submissions does not count toward it. Last evaluated 2025-12-10.

Allele frequency attached by ClinVar (database versions not stated): TOPMed 0.00002; gnomAD 0.00001.

Submissions (3):

Labcorp Genetics (formerly Invitae), Labcorp
Classification: Uncertain significance. Last evaluated: 2025-12-10. Review status: criteria provided, single submitter. Criteria: Invitae Variant Classification Sherloc (09022015). Collection method: clinical testing. Allele origin: germline.
Comment: This sequence change replaces leucine, which is neutral and non-polar, with valine, which is neutral and non-polar, at codon 591 of the TNFAIP3 protein (p.Leu591Val). This variant is present in population databases (rs145392420, gnomAD 0.002%). This variant has not been reported in the literature in individuals affected with TNFAIP3-related conditions. ClinVar contains an entry for this variant (Variation ID: 135340). Invitae Evidence Modeling of protein sequence and biophysical properties (such as structural, functional, and spatial information, amino acid conservation, physicochemical variation, residue mobility, and thermodynamic stability) indicates that this missense variant is not expected to disrupt TNFAIP3 protein function with a negative predictive value of 80%. In summary, the available evidence is currently insufficient to determine the role of this variant in disease. Therefore, it has been classified as a Variant of Uncertain Significance.

CeGaT Center for Human Genetics Tuebingen
Classification: Likely benign. Last evaluated: 2021-05-01. Review status: criteria provided, single submitter. Criteria: CeGaT Center For Human Genetics Tuebingen Variant Classification Criteria Version 2. Collection method: clinical testing. Allele origin: germline. Affected: yes. Observed: 1 variant allele.

ITMI
No classification provided. Condition: AllHighlyPenetrant. Last evaluated: 2013-09-19. Review status: no classification provided. Collection method: reference population. Allele origin: germline. Not counted in ClinVar's aggregate classification.
Comment: Please see associated publication for description of ethnicities

Literature cited by the submitters: PubMed 24728327 (cited by ITMI).

NM_001270508.2(TNFAIP3):c.1771C>G (p.Leu591Val)

Gene: TNFAIP3 (TNF alpha induced protein 3; plus strand). Cytogenetic location: 6q23.3.
Variant type: single nucleotide variant.
Coding change: c.1771C>G on transcript NM_001270508.2 (MANE Select); coding-DNA position 1771, C replaced by G.
Protein change: p.Leu591Val; replaces leucine 591 with valine.
Molecular consequence: missense variant.
Genome position (GRCh38, 1-based): chr6:137,879,216, C>G. VCF-style: chr6-137879216-C-G. GRCh37 (hg19) VCF-style: chr6-138200353-C-G.
Other names: c.1771C>G, p.Leu591Val (NM_001270507.2, NM_006290.4); short protein forms L591V.
Identifiers: ClinVar variation 135340 (VCV000135340.40), dbSNP rs145392420, ClinGen allele CA162427.
Genomic context (GRCh38, chr6:137,879,216, plus strand): 5'-GTCCGGAGCCCCTCCCCGCATTCTTGCCACAGAGCTGGAAACGACGCCCCTGCTGGCTGC[C>G]TGTCTCAAGCTGCACGGACTCCTGGGGACAGGACGGGGACGAGCAAGTGCAGAAAAGCCG-3'
Protein context (NP_001257437.1, residues 581-601): RAGNDAPAGC[Leu591Val]SQAARTPGDR